The following is an entry in ClinVar:

NM_001103.4(ACTN2):c.2530T>C (p.Tyr844His)

Gene: ACTN2 (actinin alpha 2; plus strand). Cytogenetic location: 1q43.
Variant type: single nucleotide variant.
Coding change: c.2530T>C on transcript NM_001103.4 (MANE Select); coding-DNA position 2530, T replaced by C.
Protein change: p.Tyr844His; replaces tyrosine 844 with histidine.
Molecular consequence: missense variant.
Genome position (GRCh38, 1-based): chr1:236,762,464, T>C. VCF-style: chr1-236762464-T-C. GRCh37 (hg19) VCF-style: chr1-236925764-T-C.
Other names: c.2530T>C, p.Tyr844His (NM_001278343.2); c.1906T>C, p.Tyr636His (NM_001278344.2); short protein forms Y844H, Y636H.
Identifiers: ClinVar variation 570491 (VCV000570491.9), dbSNP rs1558252775, ClinGen allele CA345392048.

ClinVar aggregate classification (germline): Uncertain significance (1 of 4 stars; one submission).

Conditions:
Dilated cardiomyopathy 1AA (CMD1AA). Also called: Cardiomyopathy, dilated, 1AA, with or without LVNC; CARDIOMYOPATHY, DILATED, 1AA, WITH OR WITHOUT LEFT VENTRICULAR NONCOMPACTION; CARDIOMYOPATHY, FAMILIAL HYPERTROPHIC, 23, WITH OR WITHOUT LEFT VENTRICULAR NONCOMPACTION. Identifiers: Orphanet 154, MedGen C2677338, MONDO:0012808, OMIM 612158.
Primary familial hypertrophic cardiomyopathy (HCM). Identifiers: Orphanet 99739, MedGen C0949658, MeSH D024741, MONDO:0024573. Inheritance: Various modes of inheritance.

Allele frequency attached by ClinVar (database versions not stated): gnomAD exomes below 0.00001.
gnomAD v4.1: 1 of 1,614,118 alleles (0.000062%); highest among the groups gnomAD compares: Non-Finnish European, 0.000085%; no homozygotes.

Submission:

Labcorp Genetics (formerly Invitae), Labcorp
Classification: Uncertain significance for Primary familial hypertrophic cardiomyopathy; Dilated cardiomyopathy 1AA. Last evaluated: 2022-02-03. Review status: criteria provided, single submitter. Criteria: Invitae Variant Classification Sherloc (09022015). Collection method: clinical testing. Allele origin: germline.
Comment: In summary, the available evidence is currently insufficient to determine the role of this variant in disease. Therefore, it has been classified as a Variant of Uncertain Significance. Algorithms developed to predict the effect of missense changes on protein structure and function (SIFT, PolyPhen-2, Align-GVGD) all suggest that this variant is likely to be disruptive. ClinVar contains an entry for this variant (Variation ID: 570491). This variant has not been reported in the literature in individuals affected with ACTN2-related conditions. This variant is not present in population databases (gnomAD no frequency). This sequence change replaces tyrosine, which is neutral and polar, with histidine, which is basic and polar, at codon 844 of the ACTN2 protein (p.Tyr844His).